The following is an entry in ClinVar:

ClinVar aggregate classification (germline): Uncertain significance. Review status: criteria provided, multiple submitters, no conflicts (2 of 4 stars). 3 submissions from 3 submitters: Uncertain significance (3). Last evaluated 2024-07-31.

Conditions:
Inborn genetic diseases. Identifiers: MedGen C0950123, MeSH D030342.
ALG11-congenital disorder of glycosylation. Also called: CONGENITAL DISORDER OF GLYCOSYLATION, TYPE Ip; ALG11-CDG. Identifiers: Orphanet 280071, MedGen C3150913, MONDO:0013349, OMIM 613661.

Allele frequency attached by ClinVar (database versions not stated): gnomAD 0.00001; TOPMed 0.00001; gnomAD exomes 0.00003 and 0.00007; ExAC 0.00005.
gnomAD v4.1: 18 of 1,613,986 alleles (0.0011%); highest among the groups gnomAD compares: Admixed American, 0.03%; no homozygotes.

Submissions (3):

Ambry Genetics
Classification: Uncertain significance for Inborn genetic diseases. Last evaluated: 2024-07-31. Review status: criteria provided, single submitter. Criteria: Ambry Variant Classification Scheme 2023. Collection method: clinical testing. Allele origin: germline.

GeneDx
Classification: Uncertain significance. Last evaluated: 2022-02-10. Review status: criteria provided, single submitter. Criteria: GeneDx Variant Classification Process June 2021. Collection method: clinical testing. Allele origin: germline. Affected: yes.
Comment: In silico analysis supports that this missense variant does not alter protein structure/function; Has not been previously published as pathogenic or benign to our knowledge

Labcorp Genetics (formerly Invitae), Labcorp
Classification: Uncertain significance for ALG11-congenital disorder of glycosylation. Last evaluated: 2021-08-27. Review status: criteria provided, single submitter. Criteria: Invitae Variant Classification Sherloc (09022015). Collection method: clinical testing. Allele origin: germline.
Comment: This sequence change replaces glutamine with arginine at codon 166 of the ALG11 protein (p.Gln166Arg). The glutamine residue is weakly conserved and there is a small physicochemical difference between glutamine and arginine. This variant is present in population databases (rs756365610, ExAC 0.05%). This variant has not been reported in the literature in individuals affected with ALG11-related conditions. Algorithms developed to predict the effect of missense changes on protein structure and function (SIFT, PolyPhen-2, Align-GVGD) all suggest that this variant is likely to be tolerated. Algorithms developed to predict the effect of sequence changes on RNA splicing suggest that this variant may create or strengthen a splice site. In summary, the available evidence is currently insufficient to determine the role of this variant in disease. Therefore, it has been classified as a Variant of Uncertain Significance.

NM_001004127.3(ALG11):c.497A>G (p.Gln166Arg)

Gene: ALG11 (ALG11 alpha-1,2-mannosyltransferase; plus strand). Cytogenetic location: 13q14.3.
Variant type: single nucleotide variant.
Coding change: c.497A>G on transcript NM_001004127.3 (MANE Select); coding-DNA position 497, A replaced by G.
Protein change: p.Gln166Arg; replaces glutamine 166 with arginine.
Molecular consequence: missense variant.
Genome position (GRCh38, 1-based): chr13:52,024,227, A>G. VCF-style: chr13-52024227-A-G. GRCh37 (hg19) VCF-style: chr13-52598363-A-G.
Other names: short protein forms Q166R.
Identifiers: ClinVar variation 949804 (VCV000949804.5), dbSNP rs756365610, ClinGen allele CA6989920.